The following is an entry in ClinVar:

NM_001134831.2(AHI1):c.2282C>G (p.Ser761Ter)

Gene: AHI1 (Abelson helper integration site 1; minus strand). Cytogenetic location: 6q23.3.
Variant type: single nucleotide variant.
Coding change: c.2282C>G on transcript NM_001134831.2 (MANE Select); coding-DNA position 2282, C replaced by G.
Protein change: p.Ser761Ter; replaces serine 761 with a stop codon.
Molecular consequence: nonsense.
Genome position (GRCh38, 1-based): chr6:135,431,299, G>C on the plus strand (C>G on the coding strand, the complement: AHI1 is on the minus strand). VCF-style: chr6-135431299-G-C. GRCh37 (hg19) VCF-style: chr6-135752437-G-C.
Other names: c.2282C>G, p.Ser761Ter (NM_001134830.2, NM_001134832.2, NM_001350503.2 and 2 more transcripts); short protein forms S761*.
Identifiers: ClinVar variation 2716958 (VCV002716958.5), dbSNP rs794727174, ClinGen allele CA365743298.
Genomic context (GRCh38, chr6:135,431,299, plus strand): 5'-TCCAAATCATTAATCTTGACATAGGTATTCCAAACAACAATCACCCCTGTACAATCTCCT[G>C]AATACATATGATGACCTATTTAAAAAAATAAGATCACTCACTTATGAATGTCACACAGAG-3'

ClinVar aggregate classification (germline): Pathogenic. Review status: criteria provided, multiple submitters, no conflicts (2 of 4 stars). 3 submissions from 3 submitters: Pathogenic (3). Last evaluated 2024-12-03.

Conditions:
Joubert syndrome 3 (JBTS3). Also called: AHI1-related Ciliopathy. Identifiers: Orphanet 220493, MedGen C1837713, MONDO:0012078, OMIM 608629.
Joubert syndrome. Also called: JOUBERT-BOLTSHAUSER SYNDROME; Familial aplasia of the vermis. Identifiers: Orphanet 475, MedGen C5979921, MONDO:0018772.

gnomAD v4.1: 2 of 1,595,962 alleles (0.00013%); highest among the groups gnomAD compares: Admixed American, 0.0034%; no homozygotes.

Submissions (3):

Labcorp Genetics (formerly Invitae), Labcorp
Classification: Pathogenic for Joubert syndrome. Last evaluated: 2024-12-03. Review status: criteria provided, single submitter. Criteria: Invitae Variant Classification Sherloc (09022015). Collection method: clinical testing. Allele origin: germline.
Comment: This sequence change creates a premature translational stop signal (p.Ser761*) in the AHI1 gene. It is expected to result in an absent or disrupted protein product. Loss-of-function variants in AHI1 are known to be pathogenic (PMID: 15322546, 16453322, 28442542, 29186038). This variant is present in population databases (no rsID available, gnomAD 0.009%). This variant has not been reported in the literature in individuals affected with AHI1-related conditions. ClinVar contains an entry for this variant (Variation ID: 2716958). For these reasons, this variant has been classified as Pathogenic.

Myriad Genetics, Inc.
Classification: Pathogenic for Joubert syndrome 3. Last evaluated: 2024-06-03. Review status: criteria provided, single submitter. Criteria: Myriad Autosomal Dominant, Autosomal Recessive and X-Linked Classification Criteria (2023). Collection method: clinical testing. Allele origin: unknown.
Comment: NM_001134831.1(AHI1):c.2282C>G(S761*) is expected to be pathogenic in the context of Joubert syndrome, AHI1-related. This variant is predicted to lead to an abnormal or absent protein product due to the creation of a premature termination codon in AHI1, a gene where loss-of-function variants are known to be pathogenic. Please note: this variant was assessed in the context of healthy population screening.

Illumina Laboratory Services, Illumina
Classification: Pathogenic for Joubert syndrome 3. Last evaluated: 2023-10-06. Review status: criteria provided, single submitter. Criteria: ICSLVariantClassificationCriteria RUGD 01 April 2020. Collection method: clinical testing. Allele origin: unknown.
Comment: The AHI1 c.2282C>G p.(Ser761Ter) nonsense variant results in the loss of normal protein function through either protein truncation or nonsense-mediated mRNA decay. To our knowledge, the c.2282C>G variant has not been reported in the peer-reviewed literature and is not observed at a significant frequency in version 2.1.1 or version 3.1.2 of the Genome Aggregation Database. Based on the available evidence, the c.2282C>G p.(Ser761Ter) variant is classified as pathogenic for Joubert syndrome.

Literature cited by the submitters: PubMed 15322546 (cited by Labcorp Genetics (formerly Invitae), Labcorp); PubMed 16453322 (cited by Labcorp Genetics (formerly Invitae), Labcorp); PubMed 28442542 (cited by Labcorp Genetics (formerly Invitae), Labcorp); PubMed 29186038 (cited by Labcorp Genetics (formerly Invitae), Labcorp).